The following is an entry in ClinVar:

NM_013254.4(TBK1):c.1436_1437del (p.Val479fs)

Gene: TBK1 (TANK binding kinase 1; plus strand). Cytogenetic location: 12q14.2.
Variant type: Microsatellite.
Coding change: c.1436_1437del on transcript NM_013254.4 (MANE Select); coding-DNA positions 1436 to 1437, 2 bases deleted (TG; older notation c.1436_1437delTG).
Protein change: p.Val479fs; shifts the reading frame from valine 479.
Molecular consequence: frameshift variant.
Genome position (GRCh38, 1-based): chr12:64,488,582-64,488,583, TG deleted; deleting any 2 consecutive bases within chr12:64,488,580-64,488,583 gives the same sequence; the c. name uses the placement nearest the transcript's 3' end. VCF-style (leftmost placement, unchanged base first): chr12-64488579-CTG-C. GRCh37 (hg19) VCF-style: chr12-64882359-CTG-C.
Other names: c.1434_1435delTG (NM_013254.3); c.1436_1437delTG (NM_013254.4); short protein forms V479fs.
Identifiers: ClinVar variation 203436 (VCV000203436.4), dbSNP rs876657405, ClinGen allele CA10575727.
Genomic context (GRCh38, chr12:64,488,579, plus strand): 5'-TTCACAAAAAGACAGAAGTTGTGATCACATTGGATTTCTGTATCAGAAACATTGAAAAAA[CTG>C]TGAAAGTGTGAGTAGACTACTTCCTTACTAGTAGGGGTTAAATTATTAAATGTTCCATTT-3'

ClinVar aggregate classification (germline): Pathogenic/Likely pathogenic. Review status: criteria provided, multiple submitters, no conflicts (2 of 4 stars). 3 submissions from 3 submitters: Pathogenic (1); Likely pathogenic (1). 1 of the submissions does not count toward it. Last evaluated 2020-03-31.

Conditions:
Frontotemporal dementia and/or amyotrophic lateral sclerosis 4. Also called: FTDALS4. Identifiers: Orphanet 275872, MedGen C4225325, MONDO:0014641, OMIM 616439.

Submissions (3):

Suna and Inan Kirac Foundation Neurodegeneration Research Laboratory, Koc University
Classification: Likely pathogenic for Frontotemporal dementia and/or amyotrophic lateral sclerosis 4. Last evaluated: 2020-03-31. Review status: criteria provided, single submitter. Criteria: ACMG Guidelines, 2015. Collection method: research. Allele origin: germline. Affected: yes. Observed: 1 variant allele.

Juno Genomics, Hangzhou Juno Genomics, Inc
Classification: Pathogenic for Frontotemporal dementia and/or amyotrophic lateral sclerosis 4. Review status: criteria provided, single submitter. Criteria: ACMG Guidelines, 2015. Collection method: clinical testing. Allele origin: germline.
Comment: Absent from controls (or at extremely low frequency if recessive) in Genome Aggregation Database.;Null variant in a gene where loss of function (LOF) is a known mechanism of disease.;The prevalence of the variant in affected individuals is significantly increased compared to the prevalence in controls.

OMIM
Classification: Pathogenic for FRONTOTEMPORAL DEMENTIA AND/OR AMYOTROPHIC LATERAL SCLEROSIS 4. Last evaluated: 2015-05-01. Review status: no assertion criteria provided. Collection method: literature only. Allele origin: germline. Not counted in ClinVar's aggregate classification.

Literature cited by the submitters: PubMed 25803835 (cited by OMIM).